The following is an entry in ClinVar:

NM_153240.5(NPHP3):c.3470T>C (p.Leu1157Pro)

Genes: NPHP3 (nephrocystin 3; minus strand), NPHP3-ACAD11 (NPHP3-ACAD11 readthrough (NMD candidate); minus strand). Cytogenetic location: 3q22.1.
Variant type: single nucleotide variant.
Coding change: c.3470T>C on transcript NM_153240.5 (MANE Select); coding-DNA position 3470, T replaced by C.
Protein change: p.Leu1157Pro; replaces leucine 1157 with proline.
Molecular consequence: missense variant. On other transcripts: non-coding transcript variant (1).
Genome position (GRCh38, 1-based): chr3:132,684,654, A>G on the plus strand (T>C on the coding strand, the complement: NPHP3 is on the minus strand). VCF-style: chr3-132684654-A-G. GRCh37 (hg19) VCF-style: chr3-132403498-A-G.
Other names: short protein forms L1157P.
Identifiers: ClinVar variation 4990185 (VCV004990185.1).
Genomic context (GRCh38, chr3:132,684,654, plus strand): 5'-GCCAAAGAAGGGTGATCAGGAGCTAATGCACGTCTCCGAATATCTAAAGCTCTTTCATAA[A>G]GTTCTTCTGCTTTATCATACTGTTTCTTTTCATTGCATAGAGCTGCCAGATTATTCAAAG-3'
Protein context (NP_694972.3, residues 1147-1167): EKKQYDKAEE[Leu1157Pro]YERALDIRRR

ClinVar aggregate classification (germline): Uncertain significance (1 of 4 stars; one submission).

Conditions:
NPHP3-related disorder. Also called: NPHP3-related disorders; NPHP3-related condition. Identifiers: MedGen CN379163.

Submission:

PreventionGenetics, part of Exact Sciences
Classification: Uncertain significance for NPHP3-related condition. Last evaluated: 2026-02-10. Review status: criteria provided, single submitter. Criteria: ACMG Guidelines, 2015. Collection method: clinical testing. Allele origin: germline.
Comment: The NPHP3 c.3470T>C variant is predicted to result in the amino acid substitution p.Leu1157Pro. To our knowledge, this variant has not been reported in the literature or in a large population database (gnomAD), indicating this variant is rare. At this time, the clinical significance of this variant is uncertain due to the absence of conclusive functional and genetic evidence.